The following is an entry in ClinVar:

ClinVar aggregate classification (germline): Uncertain significance (1 of 4 stars; one submission).

Allele frequency attached by ClinVar (database versions not stated): ExAC 0.00005; gnomAD exomes 0.00005 and 0.00006; gnomAD 0.00001; TOPMed 0.00001.
gnomAD v4.1: 69 of 1,613,212 alleles (0.0043%); highest among the groups gnomAD compares: South Asian, 0.057%; no homozygotes.

Submission:

Quest Diagnostics Nichols Institute San Juan Capistrano
Classification: Uncertain significance. Last evaluated: 2023-08-19. Review status: criteria provided, single submitter. Criteria: Quest Diagnostics criteria. Collection method: clinical testing. Allele origin: unknown.
Comment: The c.301-19G>A variant has not been reported in the published literature, to the best of our knowledge. The frequency of this variant in the general population, 0.00046 (14/30584 chromosomes), is uninformative in assessment of its pathogenicity. Analysis of this variant using software algorithms for the prediction of the effect of nucleotide changes on splicing yielded predictions that this variant does not affect HBA1 mRNA splicing . Based on the available information, we are unable to determine the clinical significance of this variant.

NM_000558.5(HBA1):c.301-19G>A

Genes: HBA1 (hemoglobin subunit alpha 1; plus strand), LOC106804613 (hemoglobin subunit alpha 1 recombination region; plus strand). Cytogenetic location: 16p13.3.
Variant type: single nucleotide variant.
Coding change: c.301-19G>A on transcript NM_000558.5 (MANE Select); 19 bases into the intron before coding-DNA position 301, G replaced by A.
Molecular consequence: intron variant.
Genome position (GRCh38, 1-based): chr16:177,264, G>A. VCF-style: chr16-177264-G-A. GRCh37 (hg19) VCF-style: chr16-227263-G-A.
Identifiers: ClinVar variation 439098 (VCV000439098.2), dbSNP rs765563255, ClinGen allele CA7770271.